The following is an entry in ClinVar:

ClinVar aggregate classification (germline): Pathogenic (1 of 4 stars; one submission).

Conditions:
Osteogenesis imperfecta type I (OI1). Also called: Lobstein's Disease; OI, TYPE I; OSTEOGENESIS IMPERFECTA TARDA; OSTEOGENESIS IMPERFECTA WITH BLUE SCLERAE; Osteogenesis imperfecta type 1; Lobstein disease. Identifiers: Orphanet 216796, Orphanet 666, MedGen C0023931, MONDO:0008146, OMIM 166200. Disease mechanism: loss of function.
Ehlers-Danlos syndrome, classic type, 1 (EDSCL1). Also called: Ehlers-Danlos syndrome, type 1; EHLERS-DANLOS SYNDROME, GRAVIS TYPE; EHLERS-DANLOS SYNDROME, SEVERE CLASSIC TYPE; EDS I; Ehlers-Danlos Syndrome, Classic Type, COL5A1-Related. Identifiers: MedGen C0268335, MONDO:0019567, OMIM 130000.

Allele frequency attached by ClinVar (database versions not stated): gnomAD exomes below 0.00001.
gnomAD v4.1: 1 of 1,614,150 alleles (0.000062%); highest among the groups gnomAD compares: Non-Finnish European, 0.000085%; no homozygotes.

Submission:

Labcorp Genetics (formerly Invitae), Labcorp
Classification: Pathogenic for Osteogenesis imperfecta type I; Ehlers-Danlos syndrome, classic type, 1. Last evaluated: 2022-08-16. Review status: criteria provided, single submitter. Criteria: Invitae Variant Classification Sherloc (09022015). Collection method: clinical testing. Allele origin: germline.
Comment: For these reasons, this variant has been classified as Pathogenic. This variant disrupts the triple helix domain of COL1A2. Glycine residues within the Gly-Xaa-Yaa repeats of the triple helix domain are required for the structure and stability of fibrillar collagens (PMID: 7695699, 8218237, 19344236). In COL1A2, variants affecting these glycine residues are significantly enriched in individuals with disease (PMID: 9016532, 17078022) compared to the general population (ExAC). Advanced modeling of protein sequence and biophysical properties (such as structural, functional, and spatial information, amino acid conservation, physicochemical variation, residue mobility, and thermodynamic stability) performed at Invitae indicates that this missense variant is expected to disrupt COL1A2 protein function. ClinVar contains an entry for this variant (Variation ID: 950807). This missense change has been observed in individual(s) with osteogenesis imperfecta type III (PMID: 17078022, 31414283). This variant is not present in population databases (gnomAD no frequency). This sequence change replaces glycine, which is neutral and non-polar, with aspartic acid, which is acidic and polar, at codon 256 of the COL1A2 protein (p.Gly256Asp).

Literature cited by the submitters: PubMed 7695699; PubMed 8218237; PubMed 19344236; PubMed 9016532; PubMed 17078022; PubMed 31414283.

NM_000089.4(COL1A2):c.767G>A (p.Gly256Asp)

Gene: COL1A2 (collagen type I alpha 2 chain; plus strand). Cytogenetic location: 7q21.3.
Variant type: single nucleotide variant.
Coding change: c.767G>A on transcript NM_000089.4 (MANE Select); coding-DNA position 767, G replaced by A.
Protein change: p.Gly256Asp; replaces glycine 256 with aspartic acid.
Molecular consequence: missense variant.
Genome position (GRCh38, 1-based): chr7:94,408,798, G>A. VCF-style: chr7-94408798-G-A. GRCh37 (hg19) VCF-style: chr7-94038110-G-A.
Other names: short protein forms G256D.
Identifiers: ClinVar variation 950807 (VCV000950807.11), dbSNP rs67525025, ClinGen allele CA162918974.